The following is an entry in ClinVar:

ClinVar aggregate classification (germline): Uncertain significance. Review status: criteria provided, multiple submitters, no conflicts (2 of 4 stars). 2 submissions from 2 submitters: Uncertain significance (2). Last evaluated 2024-09-30.

Conditions:
Autosomal recessive hypophosphatemic bone disease (HHRH). Also called: HYPERCALCIURIC RICKETS; Hypophosphatemic rickets with hypercalciuria. Identifiers: Orphanet 157215, MedGen C1853271, MONDO:0009431, OMIM 241530.

gnomAD v4.1: 7 of 1,608,738 alleles (0.00044%); highest among the groups gnomAD compares: South Asian, 0.0011%; no homozygotes.

Submissions (2):

Labcorp Genetics (formerly Invitae), Labcorp
Classification: Uncertain significance. Last evaluated: 2024-09-30. Review status: criteria provided, single submitter. Criteria: Invitae Variant Classification Sherloc (09022015). Collection method: clinical testing. Allele origin: germline.
Comment: This sequence change replaces arginine, which is basic and polar, with lysine, which is basic and polar, at codon 187 of the SLC34A3 protein (p.Arg187Lys). This variant also falls at the last nucleotide of exon 6, which is part of the consensus splice site for this exon. This variant is present in population databases (rs766112890, gnomAD 0.003%). This variant has not been reported in the literature in individuals affected with SLC34A3-related conditions. An algorithm developed to predict the effect of missense changes on protein structure and function (PolyPhen-2) suggests that this variant¬†is likely to be tolerated. Variants that disrupt the consensus splice site are a relatively common cause of aberrant splicing (PMID: 17576681, 9536098). In summary, the available evidence is currently insufficient to determine the role of this variant in disease. Therefore, it has been classified as a Variant of Uncertain Significance.

Fulgent Genetics
Classification: Uncertain significance for Autosomal recessive hypophosphatemic bone disease. Last evaluated: 2024-04-29. Review status: criteria provided, single submitter. Criteria: ACMG Guidelines, 2015. Collection method: clinical testing. Allele origin: germline.

Literature cited by the submitters: PubMed 17576681 (cited by Labcorp Genetics (formerly Invitae), Labcorp); PubMed 9536098 (cited by Labcorp Genetics (formerly Invitae), Labcorp).

NM_001177316.2(SLC34A3):c.560G>A (p.Arg187Lys)

Gene: SLC34A3 (solute carrier family 34 member 3; plus strand). Cytogenetic location: 9q34.3.
Variant type: single nucleotide variant.
Coding change: c.560G>A on transcript NM_001177316.2 (MANE Select); coding-DNA position 560, G replaced by A.
Protein change: p.Arg187Lys; replaces arginine 187 with lysine.
Molecular consequence: missense variant.
Genome position (GRCh38, 1-based): chr9:137,233,115, G>A. VCF-style: chr9-137233115-G-A. GRCh37 (hg19) VCF-style: chr9-140127567-G-A.
Other names: c.560G>A, p.Arg187Lys (NM_001177317.2, NM_080877.3); c.560G>A (NM_080877.2); short protein forms R187K.
Identifiers: ClinVar variation 3596886 (VCV003596886.2).